The following is an entry in ClinVar:

ClinVar aggregate classification (germline): Pathogenic (1 of 4 stars; one submission).

Conditions:
Familial thoracic aortic aneurysm and aortic dissection (TAAD). Also called: Thoracic aortic aneurysms and dissections. Identifiers: Orphanet 91387, MedGen C4707243, MONDO:0019625.
Marfan syndrome (MFS). Also called: Marfan syndrome type 1; Marfan's syndrome; Marfan syndrome, classic; MARFAN SYNDROME, TYPE I; FBN1-Related Marfan Syndrome. Identifiers: Orphanet 284963, Orphanet 558, MedGen C0024796, MONDO:0007947, OMIM 154700.

Submission:

Labcorp Genetics (formerly Invitae), Labcorp
Classification: Pathogenic for Marfan syndrome; Familial thoracic aortic aneurysm and aortic dissection. Last evaluated: 2020-03-05. Review status: criteria provided, single submitter. Criteria: Invitae Variant Classification Sherloc (09022015). Collection method: clinical testing. Allele origin: germline.
Comment: For these reasons, this variant has been classified as Pathogenic. Loss-of-function variants in FBN1 are known to be pathogenic (PMID: 17657824, 19293843). This variant has not been reported in the literature in individuals with FBN1-related conditions. This variant is not present in population databases (ExAC no frequency). This sequence change creates a premature translational stop signal (p.Cys100*) in the FBN1 gene. It is expected to result in an absent or disrupted protein product.

Literature cited by the submitters: PubMed 17657824; PubMed 19293843.

NM_000138.5(FBN1):c.300C>A (p.Cys100Ter)

Gene: FBN1 (fibrillin 1; minus strand). Cytogenetic location: 15q21.1.
Variant type: single nucleotide variant.
Coding change: c.300C>A on transcript NM_000138.5 (MANE Select); coding-DNA position 300, C replaced by A.
Protein change: p.Cys100Ter; replaces cysteine 100 with a stop codon.
Molecular consequence: nonsense.
Genome position (GRCh38, 1-based): chr15:48,610,774, G>T on the plus strand (C>A on the coding strand, the complement: FBN1 is on the minus strand). VCF-style: chr15-48610774-G-T. GRCh37 (hg19) VCF-style: chr15-48902971-G-T.
Other names: short protein forms C100*.
Identifiers: ClinVar variation 1071108 (VCV001071108.7), dbSNP rs397515783, ClinGen allele CA392446981.